The following is an entry in ClinVar:

NM_152305.3(POGLUT1):c.1007_1008del (p.Gln336fs)

Gene: POGLUT1 (protein O-glucosyltransferase 1; plus strand). Cytogenetic location: 3q13.33.
Variant type: Deletion.
Coding change: c.1007_1008del on transcript NM_152305.3 (MANE Select); coding-DNA positions 1007 to 1008, 2 bases deleted (AA; older notation c.1007_1008delAA).
Protein change: p.Gln336fs; shifts the reading frame from glutamine 336.
Molecular consequence: frameshift variant. On other transcripts: non-coding transcript variant (1).
Genome position (GRCh38, 1-based): chr3:119,491,559-119,491,560, AA deleted. VCF-style (leftmost placement, unchanged base first): chr3-119491558-CAA-C. GRCh37 (hg19) VCF-style: chr3-119210405-CAA-C.
Other names: short protein forms Q336fs.
Identifiers: ClinVar variation 3662911 (VCV003662911.2).
Genomic context (GRCh38, chr3:119,491,558, plus strand): 5'-TAAAATTCTTTTCATTTTAGAGAGCTGTTACAATTTGTAAAAGCAAATGATGATGTAGCT[CAA>C]GAGATTGCTGAAAGGTGAGTTCTGTTCATTTTCCCTTTTCCACTTTACTTTTTGTCATCC-3'

ClinVar aggregate classification (germline): Pathogenic (1 of 4 stars; one submission).

Submission:

Labcorp Genetics (formerly Invitae), Labcorp
Classification: Pathogenic. Last evaluated: 2024-08-31. Review status: criteria provided, single submitter. Criteria: Invitae Variant Classification Sherloc (09022015). Collection method: clinical testing. Allele origin: germline.
Comment: This sequence change creates a premature translational stop signal (p.Gln336Argfs*4) in the POGLUT1 gene. While this is not anticipated to result in nonsense mediated decay, it is expected to disrupt the last 57 amino acid(s) of the POGLUT1 protein. This variant is not present in population databases (gnomAD no frequency). This variant has not been reported in the literature in individuals affected with POGLUT1-related conditions. This variant disrupts a region of the POGLUT1 protein in which other variant(s) (p.Ile338Lysfs*27) have been determined to be pathogenic (PMID: 24387993, 30414910, 30653241). This suggests that this is a clinically significant region of the protein, and that variants that disrupt it are likely to be disease-causing. For these reasons, this variant has been classified as Pathogenic.

Literature cited by the submitters: PubMed 24387993; PubMed 30414910; PubMed 30653241.